The following is an entry in ClinVar:

ClinVar aggregate classification (germline): Conflicting classifications of pathogenicity. Review status: criteria provided, conflicting classifications (1 of 4 stars). 8 submissions from 8 submitters: Uncertain significance (7); Likely benign (1). Last evaluated 2026-03-23.

Conditions:
Classic or attenuated familial adenomatous polyposis. Identifiers: MedGen CN372698, MONDO:0021057.
Hereditary cancer-predisposing syndrome. Also called: Tumor predisposition; Hereditary Cancer Syndrome; Hereditary neoplastic syndrome; Neoplastic Syndromes, Hereditary. Identifiers: Orphanet 140162, MedGen C0027672, MeSH D009386, MONDO:0015356.
Familial adenomatous polyposis 1 (FAP1). Also called: POLYPOSIS, ADENOMATOUS INTESTINAL; FAMILIAL ADENOMATOUS POLYPOSIS 1, ATTENUATED. Identifiers: MedGen C2713442, MONDO:0021056, OMIM 175100. Disease mechanism: loss of function.

Allele frequency attached by ClinVar (database versions not stated): gnomAD 0.00003; ExAC 0.00001; gnomAD exomes below 0.00001; TOPMed 0.00001.
gnomAD v4.1: 5 of 1,613,926 alleles (0.00031%); highest among the groups gnomAD compares: Non-Finnish European, 0.00042%; no homozygotes.

Submissions (8):

Ambry Genetics
Classification: Likely benign for Hereditary cancer-predisposing syndrome. Last evaluated: 2026-03-23. Review status: criteria provided, single submitter. Criteria: Ambry Variant Classification Scheme 2023. Collection method: clinical testing. Allele origin: germline.

Labcorp Genetics (formerly Invitae), Labcorp
Classification: Uncertain significance for Familial adenomatous polyposis 1. Last evaluated: 2026-01-28. Review status: criteria provided, single submitter. Criteria: Invitae Variant Classification Sherloc (09022015). Collection method: clinical testing. Allele origin: germline.
Comment: This sequence change replaces methionine, which is neutral and non-polar, with threonine, which is neutral and polar, at codon 2221 of the APC protein (p.Met2221Thr). This variant is present in population databases (rs730881255, gnomAD 0.005%). This variant has not been reported in the literature in individuals affected with APC-related conditions. ClinVar contains an entry for this variant (Variation ID: 181813). Invitae Evidence Modeling of protein sequence and biophysical properties (such as structural, functional, and spatial information, amino acid conservation, physicochemical variation, residue mobility, and thermodynamic stability) indicates that this missense variant is not expected to disrupt APC protein function with a negative predictive value of 95%. In summary, the available evidence is currently insufficient to determine the role of this variant in disease. Therefore, it has been classified as a Variant of Uncertain Significance.

All of Us Research Program, National Institutes of Health
Classification: Uncertain significance for Classic or attenuated familial adenomatous polyposis. Last evaluated: 2024-05-14. Review status: criteria provided, single submitter. Criteria: ACMG Guidelines, 2015. Collection method: clinical testing. Allele origin: germline. Inheritance: Autosomal dominant inheritance. Observed: 1 variant allele, 1 heterozygote.
Comment: This missense variant replaces methionine with threonine at codon 2221 of the APC protein. Computational prediction suggests that this variant may not impact protein structure and function (internally defined REVEL score threshold <= 0.5, PMID: 27666373). To our knowledge, functional studies have not been reported for this variant. This variant has not been reported in individuals affected with APC-related disorders in the literature. This variant has been reported in an individual affected with Peutz-Jeghers syndrome (PMID: 30148152). This variant has been identified in 2/281352 chromosomes in the general population by the Genome Aggregation Database (gnomAD). The available evidence is insufficient to determine the role of this variant in disease conclusively. Therefore, this variant is classified as a Variant of Uncertain Significance.

This study involves interpretation of variants in research participants for the purpose of population health screening. Participant phenotype was not available at the time of variant classification. Additional details can be found in publication PMID: 35346344, PMCID: PMC8962531

Color Diagnostics, LLC DBA Color Health
Classification: Uncertain significance for Hereditary cancer-predisposing syndrome. Last evaluated: 2024-04-23. Review status: criteria provided, single submitter. Criteria: ACMG Guidelines, 2015. Collection method: clinical testing. Allele origin: germline.
Comment: This missense variant replaces methionine with threonine at codon 2221 of the APC protein. Computational prediction suggests that this variant may not impact protein structure and function (internally defined REVEL score threshold <= 0.5, PMID: 27666373). To our knowledge, functional studies have not been reported for this variant. This variant has not been reported in individuals affected with APC-related disorders in the literature. This variant has been reported in an individual affected with Peutz-Jeghers syndrome (PMID: 30148152). This variant has been identified in 2/281352 chromosomes in the general population by the Genome Aggregation Database (gnomAD). The available evidence is insufficient to determine the role of this variant in disease conclusively. Therefore, this variant is classified as a Variant of Uncertain Significance.

Baylor Genetics
Classification: Uncertain significance for Familial adenomatous polyposis 1. Last evaluated: 2023-09-27. Review status: criteria provided, single submitter. Criteria: ACMG Guidelines, 2015. Collection method: clinical testing. Allele origin: unknown.

Sema4
Classification: Uncertain significance for Hereditary cancer-predisposing syndrome. Last evaluated: 2021-10-12. Review status: criteria provided, single submitter. Criteria: Sema4 Curation Guidelines. Collection method: curation. Allele origin: germline.
Comment: The APC c.6662T>C (p.M2221T) variant has been reported in at least one individual with Peutz-Jeghers syndrome (PMID: 32390703, 30148152). It was observed in 1/19948 chromosomes of the East Asian subpopulation in the large and broad cohorts of the Genome Aggregation Database (PMID: 32461654). The variant has been reported in ClinVar (Variation ID 181813). Functional studies have not been performed, and in silico predictions of the variant's effect on protein function are inconclusive. The evidence is insufficient to meet ACMG/AMP criteria for classifying the variant as benign or pathogenic. Thus, the clinical significance of this variant is currently uncertain.

GeneDx
Classification: Uncertain significance. Last evaluated: 2020-06-16. Review status: criteria provided, single submitter. Criteria: GeneDx Variant Classification Process June 2021. Collection method: clinical testing. Allele origin: germline. Affected: yes.
Comment: Has not been previously published as a pathogenic or benign germline variant to our knowledge; In silico analysis, which includes protein predictors and evolutionary conservation, supports that this variant does not alter protein structure/function; This variant is associated with the following publications: (PMID: 30148152, 32390703)

Quest Diagnostics Nichols Institute San Juan Capistrano
Classification: Uncertain significance. Last evaluated: 2017-06-07. Review status: criteria provided, single submitter. Criteria: Quest Diagnostics criteria. Collection method: clinical testing. Allele origin: germline.

Literature cited by the submitters: PubMed 30148152 (cited by 4 submitters); PubMed 32390703 (cited by Ambry Genetics and Sema4).

NM_000038.6(APC):c.6662T>C (p.Met2221Thr)

Gene: APC (APC regulator of Wnt signaling pathway; plus strand). Cytogenetic location: 5q22.2.
Variant type: single nucleotide variant.
Coding change: c.6662T>C on transcript NM_000038.6 (MANE Select); coding-DNA position 6662, T replaced by C.
Protein change: p.Met2221Thr; replaces methionine 2221 with threonine.
Molecular consequence: missense variant.
Genome position (GRCh38, 1-based): chr5:112,842,256, T>C. VCF-style: chr5-112842256-T-C. GRCh37 (hg19) VCF-style: chr5-112177953-T-C.
Other names: p.M2221T:ATG>ACG; c.6662T>C, p.Met2221Thr (NM_001127510.3, NM_001354895.2); c.6608T>C, p.Met2203Thr (NM_001127511.3); c.6716T>C, p.Met2239Thr (NM_001354896.2); c.6692T>C, p.Met2231Thr (NM_001354897.2); c.6587T>C, p.Met2196Thr (NM_001354898.2); c.6578T>C, p.Met2193Thr (NM_001354899.2); c.6539T>C, p.Met2180Thr (NM_001354900.2); and 6 more; short protein forms M2203T, M2221T, M2061T, M2130T, M2231T, M1938T, M2193T, M2095T.
Identifiers: ClinVar variation 181813 (VCV000181813.25), dbSNP rs730881255, ClinGen allele CA012340.